The following is an entry in ClinVar:

ClinVar aggregate classification (germline): Uncertain significance (1 of 4 stars; one submission).

Submission:

GeneDx
Classification: Uncertain significance. Last evaluated: 2021-05-10. Review status: criteria provided, single submitter. Criteria: GeneDx Variant Classification Process June 2021. Collection method: clinical testing. Allele origin: germline. Affected: yes.
Comment: Not observed in large population cohorts (Lek et al., 2016); In silico analysis supports that this missense variant has a deleterious effect on protein structure/function; Has not been previously published as pathogenic or benign to our knowledge

NM_000079.4(CHRNA1):c.265C>T (p.Pro89Ser)

Gene: CHRNA1 (cholinergic receptor nicotinic alpha 1 subunit; minus strand). Cytogenetic location: 2q31.1.
Variant type: single nucleotide variant.
Coding change: c.265C>T on transcript NM_000079.4 (MANE Select); coding-DNA position 265, C replaced by T.
Protein change: p.Pro89Ser; replaces proline 89 with serine.
Molecular consequence: missense variant.
Genome position (GRCh38, 1-based): chr2:174,757,645, G>A on the plus strand (C>T on the coding strand, the complement: CHRNA1 is on the minus strand). VCF-style: chr2-174757645-G-A. GRCh37 (hg19) VCF-style: chr2-175622373-G-A.
Other names: c.340C>T, p.Pro114Ser (NM_001039523.3); short protein forms P114S, P89S.
Identifiers: ClinVar variation 1321523 (VCV001321523.2), dbSNP rs912456299, ClinGen allele CA349343795.